The following is an entry in ClinVar:

ClinVar aggregate classification (germline): Uncertain significance. Review status: criteria provided, multiple submitters, no conflicts (2 of 4 stars). 2 submissions from 2 submitters: Uncertain significance (2). Last evaluated 2024-08-14.

Conditions:
Developmental and epileptic encephalopathy 91. Also called: EPILEPTIC ENCEPHALOPATHY, INFANTILE OR EARLY CHILDHOOD, 1. Identifiers: MedGen C4540199, MONDO:0020630, OMIM 617711.

Allele frequency attached by ClinVar (database versions not stated): gnomAD exomes 0.00001; ExAC 0.00002; TOPMed 0.00002.
gnomAD v4.1: 15 of 1,613,872 alleles (0.00093%); highest among the groups gnomAD compares: East Asian, 0.0022%; no homozygotes.

Submissions (2):

Labcorp Genetics (formerly Invitae), Labcorp
Classification: Uncertain significance. Last evaluated: 2024-08-14. Review status: criteria provided, single submitter. Criteria: Invitae Variant Classification Sherloc (09022015). Collection method: clinical testing. Allele origin: germline.
Comment: This sequence change replaces arginine, which is basic and polar, with glutamine, which is neutral and polar, at codon 28 of the PPP3CA protein (p.Arg28Gln). This variant is present in population databases (rs746829234, gnomAD 0.006%). This variant has not been reported in the literature in individuals affected with PPP3CA-related conditions. ClinVar contains an entry for this variant (Variation ID: 1989575). Invitae Evidence Modeling of protein sequence and biophysical properties (such as structural, functional, and spatial information, amino acid conservation, physicochemical variation, residue mobility, and thermodynamic stability) indicates that this missense variant is not expected to disrupt PPP3CA protein function with a negative predictive value of 80%. In summary, the available evidence is currently insufficient to determine the role of this variant in disease. Therefore, it has been classified as a Variant of Uncertain Significance.

Neuberg Centre For Genomic Medicine, NCGM
Classification: Uncertain significance for Developmental and epileptic encephalopathy 91. Last evaluated: 2023-06-22. Review status: criteria provided, single submitter. Criteria: ACMG Guidelines, 2015. Collection method: clinical testing. Allele origin: germline. Inheritance: Autosomal dominant inheritance. Affected: yes.
Comment: The observed missense variant c.83G>A(p.Arg28Gln) in PPP3CA gene has not been reported previously as a pathogenic variant nor as a benign variant, to our knowledge. The (p.Arg28Gln) variant is reported with 0.001% allele frequency in gnomAD Exomes. It has been submitted to ClinVar as Uncertain Significance. However, no details are available for independent assessment. The amino acid Arg at position 28 is changed to a Gln changing protein sequence and it might alter its composition and physico-chemical properties. Computational evidence (Polyphen-probably damaging, SIFT-Tolerated and Mutation Taster-disease casuing) predicts conflicting evidence on protein structure and function for this variant.The reference amino acid p.Arg28Gln in PPP3CA is predicted as conserved by GERP++ and PhyloP across 100 vertebrates. For these reasons, this variant has been classified as Uncertain Significance.

NM_000944.5(PPP3CA):c.83G>A (p.Arg28Gln)

Gene: PPP3CA (protein phosphatase 3 catalytic subunit alpha; minus strand). Cytogenetic location: 4q24.
Variant type: single nucleotide variant.
Coding change: c.83G>A on transcript NM_000944.5 (MANE Select); coding-DNA position 83, G replaced by A.
Protein change: p.Arg28Gln; replaces arginine 28 with glutamine.
Molecular consequence: missense variant.
Genome position (GRCh38, 1-based): chr4:101,196,092, C>T on the plus strand (G>A on the coding strand, the complement: PPP3CA is on the minus strand). VCF-style: chr4-101196092-C-T. GRCh37 (hg19) VCF-style: chr4-102117249-C-T.
Other names: c.83G>A, p.Arg28Gln (NM_001130691.2, NM_001130692.2); short protein forms R28Q.
Identifiers: ClinVar variation 1989575 (VCV001989575.5), dbSNP rs746829234, ClinGen allele CA3024564.